The following is an entry in ClinVar:

NM_001851.6(COL9A1):c.1562C>A (p.Ala521Asp)

Gene: COL9A1 (collagen type IX alpha 1 chain; minus strand). Cytogenetic location: 6q13.
Variant type: single nucleotide variant.
Coding change: c.1562C>A on transcript NM_001851.6 (MANE Select); coding-DNA position 1562, C replaced by A.
Protein change: p.Ala521Asp; replaces alanine 521 with aspartic acid.
Molecular consequence: missense variant. On other transcripts: non-coding transcript variant (1).
Genome position (GRCh38, 1-based): chr6:70,255,199, G>T on the plus strand (C>A on the coding strand, the complement: COL9A1 is on the minus strand). VCF-style: chr6-70255199-G-T. GRCh37 (hg19) VCF-style: chr6-70964902-G-T.
Other names: c.833C>A, p.Ala278Asp (NM_001377289.1, NM_001377290.1, NM_078485.4); short protein forms A278D, A521D.
Identifiers: ClinVar variation 2812807 (VCV002812807.3), dbSNP rs773325813, ClinGen allele CA364677891.

ClinVar aggregate classification (germline): Uncertain significance (1 of 4 stars; one submission).

Submission:

Labcorp Genetics (formerly Invitae), Labcorp
Classification: Uncertain significance. Last evaluated: 2022-11-08. Review status: criteria provided, single submitter. Criteria: Invitae Variant Classification Sherloc (09022015). Collection method: clinical testing. Allele origin: germline.
Comment: In summary, the available evidence is currently insufficient to determine the role of this variant in disease. Therefore, it has been classified as a Variant of Uncertain Significance. Advanced modeling of protein sequence and biophysical properties (such as structural, functional, and spatial information, amino acid conservation, physicochemical variation, residue mobility, and thermodynamic stability) performed at Invitae indicates that this missense variant is not expected to disrupt COL9A1 protein function. This variant has not been reported in the literature in individuals affected with COL9A1-related conditions. This variant is not present in population databases (gnomAD no frequency). This sequence change replaces alanine, which is neutral and non-polar, with aspartic acid, which is acidic and polar, at codon 521 of the COL9A1 protein (p.Ala521Asp).